The following is an entry in ClinVar:

NM_005751.5(AKAP9):c.9092A>G (p.Gln3031Arg)

Gene: AKAP9 (A-kinase anchoring protein 9; plus strand). Cytogenetic location: 7q21.2.
Variant type: single nucleotide variant.
Coding change: c.9092A>G on transcript NM_005751.5 (MANE Select); coding-DNA position 9092, A replaced by G.
Protein change: p.Gln3031Arg; replaces glutamine 3031 with arginine.
Molecular consequence: missense variant.
Genome position (GRCh38, 1-based): chr7:92,086,295, A>G. VCF-style: chr7-92086295-A-G. GRCh37 (hg19) VCF-style: chr7-91715609-A-G.
Other names: c.3737A>G, p.Gln1246Arg (NM_001379277.1); c.9068A>G, p.Gln3023Arg (NM_147185.3); short protein forms Q3031R, Q3023R, Q1246R.
Identifiers: ClinVar variation 191555 (VCV000191555.24), dbSNP rs61757673, ClinGen allele CA199861.

ClinVar aggregate classification (germline): Benign/Likely benign. Review status: criteria provided, multiple submitters, no conflicts (2 of 4 stars). 9 submissions from 9 submitters: Benign (6); Likely benign (1). 2 of the submissions do not count toward it. Last evaluated 2026-01-28.

Conditions:
Cardiomyopathy (CMYO). Also called: Cardiomyopathies. Identifiers: Orphanet 167848, MedGen C0878544, MONDO:0004994, HP:0001638. Inheritance: Various modes of inheritance.
Ventricular fibrillation. Identifiers: MedGen C0042510, MONDO:0000190, HP:0001663.
Cardiovascular phenotype. Identifiers: MedGen CN230736.
Long QT syndrome (LQTS). Identifiers: MedGen C0023976, MeSH D008133, MONDO:0002442. Disease mechanism: loss of function. Inheritance: Various modes of inheritance.
Long QT syndrome 11 (LQT11). Identifiers: Orphanet 101016, Orphanet 768, MedGen C2678483, MONDO:0012738, OMIM 611820.

Allele frequency attached by ClinVar (database versions not stated): gnomAD exomes 0.00058 and 0.00136; ExAC 0.00171; gnomAD 0.00550 and 0.00583; 1000 Genomes Project 0.00659; ESP Exome Variant Server 0.00669; TOPMed 0.00670; 1000 Genomes Project 30x 0.00703.
gnomAD v4.1: 1,701 of 1,614,092 alleles (0.11%); highest among the groups gnomAD compares: African/African-American, 1.9%; 16 homozygotes.

Submissions (9):

Labcorp Genetics (formerly Invitae), Labcorp
Classification: Benign for Long QT syndrome. Last evaluated: 2026-01-28. Review status: criteria provided, single submitter. Criteria: Invitae Variant Classification Sherloc (09022015). Collection method: clinical testing. Allele origin: germline.

Women's Health and Genetics/Laboratory Corporation of America, LabCorp
Classification: Likely benign. Last evaluated: 2022-12-25. Review status: criteria provided, single submitter. Criteria: LabCorp Variant Classification Summary - May 2015. Collection method: clinical testing. Allele origin: germline.

Genome-Nilou Lab
Classification: Benign for Long QT syndrome 11. Last evaluated: 2021-12-05. Review status: criteria provided, single submitter. Criteria: ACMG Guidelines, 2015. Collection method: clinical testing. Allele origin: germline. Affected: no.

Center for Advanced Laboratory Medicine, UC San Diego Health, University of California San Diego
Classification: Benign for Ventricular fibrillation; Cardiomyopathy. Last evaluated: 2019-05-20. Review status: criteria provided, single submitter. Criteria: ACMG Guidelines, 2015. Collection method: clinical testing. Allele origin: germline. Affected: yes. Observed: 2 variant alleles.

Ambry Genetics
Classification: Benign for Cardiovascular phenotype. Last evaluated: 2016-03-15. Review status: criteria provided, single submitter. Criteria: Ambry Variant Classification Scheme 2023. Collection method: clinical testing. Allele origin: germline.

Biesecker Lab/Clinical Genomics Section, National Institutes of Health
Classification: Benign. Last evaluated: 2013-06-24. Review status: criteria provided, single submitter. Criteria: Ng et al. (Circ Cardiovasc Genet. 2013). Collection method: research. Allele origin: unknown. Observed: 3 variant alleles. Study: ClinSeq.
Comment: The study set was not selected for affection status in relation to any cancer. Pathogenicity categories were based on literature curation. See Pubmed ID:23861362 for details.

Medical sequencing

Breakthrough Genomics
Classification: Benign. Review status: criteria provided, single submitter. Criteria: ACMG Guidelines, 2015. Collection method: not provided. Allele origin: germline. Inheritance: Autosomal dominant inheritance. Affected: yes.

Clinical Genetics, Academic Medical Center
Classification: Benign. Review status: no assertion criteria provided. Collection method: clinical testing. Allele origin: germline. Affected: yes. Study: VKGL Data-share Consensus. Not counted in ClinVar's aggregate classification.

Joint Genome Diagnostic Labs from Nijmegen and Maastricht, Radboudumc and MUMC+
Classification: Benign. Review status: no assertion criteria provided. Collection method: clinical testing. Allele origin: germline. Affected: yes. Study: VKGL Data-share Consensus. Not counted in ClinVar's aggregate classification.